The following is an entry in ClinVar:

NM_001395413.1(POR):c.1103G>A (p.Arg368His)

Gene: POR (cytochrome p450 oxidoreductase; plus strand). Cytogenetic location: 7q11.23.
Variant type: single nucleotide variant.
Coding change: c.1103G>A on transcript NM_001395413.1 (MANE Select); coding-DNA position 1103, G replaced by A.
Protein change: p.Arg368His; replaces arginine 368 with histidine.
Molecular consequence: missense variant.
Genome position (GRCh38, 1-based): chr7:75,984,822, G>A. VCF-style: chr7-75984822-G-A. GRCh37 (hg19) VCF-style: chr7-75614140-G-A.
Other names: c.1112G>A, p.Arg371His (NM_000941.2, NM_000941.3); c.1103G>A, p.Arg368His (NM_001367562.3, NM_001382657.2, NM_001382658.3 and 2 more transcripts); c.1157G>A, p.Arg386His (NM_001382655.3); short protein forms R386H, R368H, R371H.
Identifiers: ClinVar variation 2048833 (VCV002048833.1), dbSNP rs374406028, ClinGen allele CA4303991.
Genomic context (GRCh38, chr7:75,984,822, plus strand): 5'-GTCTCTTCCCTGCAGAGGAGTCCAACAAGAAGCACCCATTCCCGTGCCCTACGTCCTACC[G>A]CACGGCCCTCACCTACTACCTGGACATCACCAACCCGCCGCGTACCAACGTGCTGTACGA-3'
Protein context (NP_001382342.1, residues 358-378): KHPFPCPTSY[Arg368His]TALTYYLDIT

ClinVar aggregate classification (germline): Uncertain significance (1 of 4 stars; one submission).

Conditions:
Congenital adrenal hyperplasia due to cytochrome P450 oxidoreductase deficiency. Also called: DISORDERED STEROIDOGENESIS DUE TO POR DEFICIENCY. Identifiers: Orphanet 95699, MedGen C1860042, MONDO:0013310, OMIM 613571.

Allele frequency attached by ClinVar (database versions not stated): ExAC 0.00001; gnomAD 0.00004; ESP Exome Variant Server 0.00008.

Submission:

Labcorp Genetics (formerly Invitae), Labcorp
Classification: Uncertain significance for Congenital adrenal hyperplasia due to cytochrome P450 oxidoreductase deficiency. Last evaluated: 2022-03-12. Review status: criteria provided, single submitter. Criteria: Invitae Variant Classification Sherloc (09022015). Collection method: clinical testing. Allele origin: germline.
Comment: This sequence change replaces arginine, which is basic and polar, with histidine, which is basic and polar, at codon 371 of the POR protein (p.Arg371His). This variant is present in population databases (rs374406028, gnomAD 0.008%). This variant has not been reported in the literature in individuals affected with POR-related conditions. Algorithms developed to predict the effect of missense changes on protein structure and function (SIFT, PolyPhen-2, Align-GVGD) all suggest that this variant is likely to be disruptive. In summary, the available evidence is currently insufficient to determine the role of this variant in disease. Therefore, it has been classified as a Variant of Uncertain Significance.